The following is an entry in ClinVar:

ClinVar aggregate classification (germline): Likely benign. Review status: criteria provided, multiple submitters, no conflicts (2 of 4 stars). 2 submissions from 2 submitters: Likely benign (2). Last evaluated 2023-01-01.

Allele frequency attached by ClinVar (database versions not stated): gnomAD 0.00001.

Submissions (2):

CeGaT Center for Human Genetics Tuebingen
Classification: Likely benign. Last evaluated: 2023-01-01. Review status: criteria provided, single submitter. Criteria: CeGaT Center For Human Genetics Tuebingen Variant Classification Criteria Version 2. Collection method: clinical testing. Allele origin: germline. Affected: yes. Observed: 1 variant allele.
Comment: KMT2C: BP4, BP7

Labcorp Genetics (formerly Invitae), Labcorp
Classification: Likely benign. Last evaluated: 2021-09-17. Review status: criteria provided, single submitter. Criteria: Invitae Variant Classification Sherloc (09022015). Collection method: clinical testing. Allele origin: germline.

NM_170606.3(KMT2C):c.1092G>A (p.Gln364=)

Genes: KMT2C (lysine methyltransferase 2C; minus strand), LOC123956272 (Sharpr-MPRA regulatory region 15588; plus strand). Cytogenetic location: 7q36.1.
Variant type: single nucleotide variant.
Coding change: c.1092G>A on transcript NM_170606.3 (MANE Select); coding-DNA position 1092, G replaced by A.
Protein change: p.Gln364=; no amino-acid change (glutamine 364 retained).
Molecular consequence: synonymous variant.
Genome position (GRCh38, 1-based): chr7:152,265,130, C>T on the plus strand (G>A on the coding strand, the complement: KMT2C is on the minus strand). VCF-style: chr7-152265130-C-T. GRCh37 (hg19) VCF-style: chr7-151962215-C-T.
Identifiers: ClinVar variation 1605869 (VCV001605869.31), dbSNP rs371377769, ClinGen allele CA169229547.
Genomic context (GRCh38, chr7:152,265,130, plus strand): 5'-TTGCCAACCTGCACGTTTTAATGGAGTAACCGCTATATCCAGGCACATTCCATGATAGTG[C>T]TGACCACAAGTAGTACAAAAGAACTGATCTAAGAGGTCTCCCGGGCTGTCGCACACTGCA-3'
Protein context (NP_733751.2, residues 354-374): LDQFFCTTCG[Gln364=]HYHGMCLDIA